The following is an entry in ClinVar:

NM_002465.4(MYBPC1):c.2010C>A (p.Tyr670Ter)

Gene: MYBPC1 (myosin binding protein C1; plus strand). Cytogenetic location: 12q23.2.
Variant type: single nucleotide variant.
Coding change: c.2010C>A on transcript NM_002465.4 (MANE Select); coding-DNA position 2010, C replaced by A.
Protein change: p.Tyr670Ter; replaces tyrosine 670 with a stop codon.
Molecular consequence: nonsense.
Genome position (GRCh38, 1-based): chr12:101,661,240, C>A. VCF-style: chr12-101661240-C-A. GRCh37 (hg19) VCF-style: chr12-102055018-C-A.
Other names: c.1935C>A, p.Tyr645Ter (NM_001254718.3, NM_001254719.3, NM_206820.4 and 1 more transcripts); c.1899C>A, p.Tyr633Ter (NM_001254720.3); c.1878C>A, p.Tyr626Ter (NM_001254721.3, NM_001404676.1, NM_001404678.1); c.1857C>A, p.Tyr619Ter (NM_001254722.3, NM_001404680.1); c.1896C>A, p.Tyr632Ter (NM_001254723.3); c.2010C>A, p.Tyr670Ter (NM_001404675.1, NM_206819.4); c.1800C>A, p.Tyr600Ter (NM_001404677.1, NM_001404679.1, NM_001404681.1); short protein forms Y619*, Y626*, Y632*, Y633*, Y645*, Y670*, Y600*.
Identifiers: ClinVar variation 1312751 (VCV001312751.4), dbSNP rs77045393, ClinGen allele CA386284202.
Genomic context (GRCh38, chr12:101,661,240, plus strand): 5'-ACCGACTGTGACAGAGGTGGGAGATGACTGGTGTATCATGAACTGGGAGCCTCCTGCCTA[C>A]GACGGAGGCTCTCCAATCCTAGGTAACTGCATGTTGGTTAGTCTGTGTAACTGCCAGTAC-3'

ClinVar aggregate classification (germline): Uncertain significance (1 of 4 stars; one submission).

Submission:

GeneDx
Classification: Uncertain significance. Last evaluated: 2020-06-24. Review status: criteria provided, single submitter. Criteria: GeneDx Variant Classification Process June 2021. Collection method: clinical testing. Allele origin: germline. Affected: yes.
Comment: Has not been previously published as pathogenic or benign to our knowledge; Not observed in large population cohorts (Lek et al., 2016); Nonsense variant predicted to result in protein truncation or nonsense mediated decay in a gene for which loss-of-function is not a known mechanism of disease